The following is an entry in ClinVar:

NM_139076.3(ABRAXAS1):c.16A>T (p.Thr6Ser)

Genes: ABRAXAS1 (abraxas 1, BRCA1 A complex subunit; minus strand), LOC129992784 (ATAC-STARR-seq lymphoblastoid silent region 15542; plus strand). Cytogenetic location: 4q21.23.
Variant type: single nucleotide variant.
Coding change: c.16A>T on transcript NM_139076.3 (MANE Select); coding-DNA position 16, A replaced by T.
Protein change: p.Thr6Ser; replaces threonine 6 with serine.
Molecular consequence: missense variant. On other transcripts: 5 prime UTR variant (1).
Genome position (GRCh38, 1-based): chr4:83,485,057, T>A on the plus strand (A>T on the coding strand, the complement: ABRAXAS1 is on the minus strand). VCF-style: chr4-83485057-T-A. GRCh37 (hg19) VCF-style: chr4-84406210-T-A.
Other names: c.-245A>T (NM_001345962.2); short protein forms T6S.
Identifiers: ClinVar variation 4636474 (VCV004636474.1).

ClinVar aggregate classification (germline): Uncertain significance (1 of 4 stars; one submission).

Submission:

Ambry Genetics
Classification: Uncertain significance. Last evaluated: 2025-11-11. Review status: criteria provided, single submitter. Criteria: Ambry Variant Classification Scheme 2023. Collection method: clinical testing. Allele origin: germline.
Comment: The p.T6S variant (also known as c.16A>T), located in coding exon 1 of the FAM175A gene, results from an A to T substitution at nucleotide position 16. The threonine at codon 6 is replaced by serine, an amino acid with similar properties. This amino acid position is conserved. In addition, this alteration is predicted to be tolerated by in silico analysis. Based on the available evidence, the clinical significance of this variant remains unclear.